The following is an entry in ClinVar:

ClinVar aggregate classification (germline): Likely pathogenic (1 of 4 stars; one submission).

Conditions:
Juvenile polyposis syndrome (JPS). Identifiers: Orphanet 2929, MedGen C0345893, MONDO:0017380, OMIM 174900.

Submission:

Labcorp Genetics (formerly Invitae), Labcorp
Classification: Likely pathogenic for Juvenile polyposis syndrome. Last evaluated: 2025-10-09. Review status: criteria provided, single submitter. Criteria: Invitae Variant Classification Sherloc (09022015). Collection method: clinical testing. Allele origin: germline.
Comment: This sequence change affects a donor splice site in intron 2 of the SMAD4 gene. It is expected to disrupt RNA splicing. Variants that disrupt the donor or acceptor splice site typically lead to a loss of protein function (PMID: 16199547), and loss-of-function variants in SMAD4 are known to be pathogenic (PMID: 16152648, 16436638, 22810475). This variant is not present in population databases (gnomAD no frequency). This variant has not been reported in the literature in individuals affected with SMAD4-related conditions. Algorithms developed to predict the effect of sequence changes on RNA splicing suggest that this variant may disrupt the consensus splice site. In summary, the currently available evidence indicates that the variant is pathogenic, but additional data are needed to prove that conclusively. Therefore, this variant has been classified as Likely Pathogenic.

Literature cited by the submitters: PubMed 16199547; PubMed 16152648; PubMed 16436638; PubMed 22810475.

NM_005359.6(SMAD4):c.249+1G>C

Gene: SMAD4 (SMAD family member 4; plus strand). Cytogenetic location: 18q21.2.
Variant type: single nucleotide variant.
Coding change: c.249+1G>C on transcript NM_005359.6 (MANE Select); the canonical splice donor site of the intron after coding-DNA position 249, G replaced by C.
Molecular consequence: splice donor variant.
Genome position (GRCh38, 1-based): chr18:51,047,296, G>C. VCF-style: chr18-51047296-G-C. GRCh37 (hg19) VCF-style: chr18-48573666-G-C.
Other names: c.249+1G>C (NM_001407042.1, NM_001407041.1, NM_001407043.1).
Identifiers: ClinVar variation 4728791 (VCV004728791.1).
Genomic context (GRCh38, chr18:51,047,296, plus strand): 5'-AATGGAGCTCATCCTAGTAAATGTGTTACCATACAGAGAACATTGGATGGGAGGCTTCAG[G>C]TTAGTCTTATAAGAGTTTTTCTATACCCTCTATGGTGGCAGATTTAAAAACTTGCTACGT-3'